The following is an entry in ClinVar:

ClinVar aggregate classification (germline): Uncertain significance (1 of 4 stars; one submission).

Conditions:
Inborn genetic diseases. Identifiers: MedGen C0950123, MeSH D030342.

gnomAD v4.1: 1 of 1,610,756 alleles (0.000062%); highest among the groups gnomAD compares: Non-Finnish European, 0.000085%; no homozygotes.

Submission:

Ambry Genetics
Classification: Uncertain significance for Inborn genetic diseases. Last evaluated: 2025-04-03. Review status: criteria provided, single submitter. Criteria: Ambry Variant Classification Scheme 2023. Collection method: clinical testing. Allele origin: germline.
Comment: The p.H1188Q variant (also known as c.3564C>A), located in coding exon 36 of the FANCA gene, results from a C to A substitution at nucleotide position 3564. The histidine at codon 1188 is replaced by glutamine, an amino acid with highly similar properties. This amino acid position is conserved. In addition, this alteration is predicted to be tolerated by in silico analysis. Based on the available evidence, the clinical significance of this variant remains unclear.

NM_000135.4(FANCA):c.3564C>A (p.His1188Gln)

Gene: FANCA (FA complementation group A; minus strand). Cytogenetic location: 16q24.3.
Variant type: single nucleotide variant.
Coding change: c.3564C>A on transcript NM_000135.4 (MANE Select); coding-DNA position 3564, C replaced by A.
Protein change: p.His1188Gln; replaces histidine 1188 with glutamine.
Molecular consequence: missense variant.
Genome position (GRCh38, 1-based): chr16:89,745,021, G>T on the plus strand (C>A on the coding strand, the complement: FANCA is on the minus strand). VCF-style: chr16-89745021-G-T. GRCh37 (hg19) VCF-style: chr16-89811429-G-T.
Other names: c.3564C>A, p.His1188Gln (NM_001286167.3); short protein forms H1188Q.
Identifiers: ClinVar variation 4022147 (VCV004022147.1).